The following is an entry in ClinVar:

ClinVar aggregate classification (germline): Uncertain significance (1 of 4 stars; one submission).

Allele frequency attached by ClinVar (database versions not stated): gnomAD 0.00001; ExAC 0.00002; gnomAD exomes 0.00002; TOPMed 0.00002.
gnomAD v4.1: 26 of 1,613,836 alleles (0.0016%); highest among the groups gnomAD compares: Admixed American, 0.005%; no homozygotes.

Submission:

Labcorp Genetics (formerly Invitae), Labcorp
Classification: Uncertain significance. Last evaluated: 2026-01-12. Review status: criteria provided, single submitter. Criteria: Invitae Variant Classification Sherloc (09022015). Collection method: clinical testing. Allele origin: germline.
Comment: This sequence change replaces arginine, which is basic and polar, with tryptophan, which is neutral and slightly polar, at codon 104 of the JAK1 protein (p.Arg104Trp). This variant is present in population databases (rs752389823, gnomAD 0.009%). This variant has not been reported in the literature in individuals affected with JAK1-related conditions. ClinVar contains an entry for this variant (Variation ID: 2713584). Invitae Evidence Modeling of protein sequence and biophysical properties (such as structural, functional, and spatial information, amino acid conservation, physicochemical variation, residue mobility, and thermodynamic stability) indicates that this missense variant is not expected to disrupt JAK1 protein function with a negative predictive value of 80%. In summary, the available evidence is currently insufficient to determine the role of this variant in disease. Therefore, it has been classified as a Variant of Uncertain Significance.

NM_002227.4(JAK1):c.310C>T (p.Arg104Trp)

Gene: JAK1 (Janus kinase 1; minus strand). Cytogenetic location: 1p31.3.
Variant type: single nucleotide variant.
Coding change: c.310C>T on transcript NM_002227.4 (MANE Select); coding-DNA position 310, C replaced by T.
Protein change: p.Arg104Trp; replaces arginine 104 with tryptophan.
Molecular consequence: missense variant.
Genome position (GRCh38, 1-based): chr1:64,879,044, G>A on the plus strand (C>T on the coding strand, the complement: JAK1 is on the minus strand). VCF-style: chr1-64879044-G-A. GRCh37 (hg19) VCF-style: chr1-65344727-G-A.
Other names: c.310C>T, p.Arg104Trp (NM_001320923.2, NM_001321852.2, NM_001321853.2 and 4 more transcripts); short protein forms R104W.
Identifiers: ClinVar variation 2713584 (VCV002713584.3), dbSNP rs752389823, ClinGen allele CA893192.